The following is an entry in ClinVar:

ClinVar aggregate classification (germline): Uncertain significance (1 of 4 stars; one submission).

gnomAD v4.1: 1 of 1,210,250 alleles (0.000083%); highest among the groups gnomAD compares: Non-Finnish European, 0.00011%; no homozygotes.

Submission:

Dasa
Classification: Uncertain significance. Last evaluated: 2026-03-27. Review status: criteria provided, single submitter. Criteria: DASA Assertion Criteria. Collection method: clinical testing. Allele origin: germline.
Comment: NM_032539.5(SLITRK2):c.2137C>T (p.Arg713*) is a nonsense variant in SLITRK2 predicted to introduce a premature termination codon. This variant is rare in population databases. The currently available literature and clinical evidence are not sufficient to establish a definitive association between this variant and the reported condition. Therefore, this variant is classified as a variant of uncertain significance.

NM_032539.5(SLITRK2):c.2137C>T (p.Arg713Ter)

Gene: SLITRK2 (SLIT and NTRK like family member 2; plus strand). Cytogenetic location: Xq27.3.
Variant type: single nucleotide variant.
Coding change: c.2137C>T on transcript NM_032539.5 (MANE Select); coding-DNA position 2137, C replaced by T.
Protein change: p.Arg713Ter; replaces arginine 713 with a stop codon.
Molecular consequence: nonsense.
Genome position (GRCh38, 1-based): chrX:145,824,562, C>T. VCF-style: chrX-145824562-C-T. GRCh37 (hg19) VCF-style: chrX-144906080-C-T.
Other names: c.2137C>T, p.Arg713Ter (NM_001144003.3, NM_001144004.3, NM_001144005.3 and 4 more transcripts); short protein forms R713*.
Identifiers: ClinVar variation 4882321 (VCV004882321.2).